The following is an entry in ClinVar:

ClinVar aggregate classification (germline): Uncertain significance (1 of 4 stars; one submission).

Conditions:
Combined immunodeficiency due to LRBA deficiency. Also called: Common variable immunodeficiency 8, with autoimmunity. Identifiers: Orphanet 445018, MedGen C3553512, MONDO:0013863, OMIM 614700.

Allele frequency attached by ClinVar (database versions not stated): gnomAD exomes below 0.00001.

Submission:

Labcorp Genetics (formerly Invitae), Labcorp
Classification: Uncertain significance for Combined immunodeficiency due to LRBA deficiency. Last evaluated: 2019-04-25. Review status: criteria provided, single submitter. Criteria: Invitae Variant Classification Sherloc (09022015). Collection method: clinical testing. Allele origin: germline.
Comment: This sequence change affects the initiator methionine of the LRBA mRNA. The next in-frame methionine is located at codon 46. This variant is not present in population databases (ExAC no frequency). This variant has not been reported in the literature in individuals with LRBA-related conditions. In summary, the available evidence is currently insufficient to determine the role of this variant in disease. Therefore, it has been classified as a Variant of Uncertain Significance.

NM_001364905.1(LRBA):c.1A>G (p.Met1Val)

Gene: LRBA (LPS responsive beige-like anchor protein; minus strand). Cytogenetic location: 4q31.3.
Variant type: single nucleotide variant.
Coding change: c.1A>G on transcript NM_001364905.1 (MANE Select); coding-DNA position 1, A replaced by G.
Protein change: p.Met1Val; changes the start codon (methionine 1).
Molecular consequence: missense variant, initiator codon variant.
Genome position (GRCh38, 1-based): chr4:151,014,642, T>C on the plus strand (A>G on the coding strand, the complement: LRBA is on the minus strand). VCF-style: chr4-151014642-T-C. GRCh37 (hg19) VCF-style: chr4-151935794-T-C.
Other names: c.1A>G, p.Met1Val (NM_001199282.3, NM_001367550.1, NM_006726.5); short protein forms M1V.
Identifiers: ClinVar variation 855437 (VCV000855437.10), dbSNP rs752404257, ClinGen allele CA108439387.